The following is an entry in ClinVar:

NM_004813.4(PEX16):c.546G>A (p.Pro182=)

Gene: PEX16 (peroxisomal biogenesis factor 16; minus strand). Cytogenetic location: 11p11.2.
Variant type: single nucleotide variant.
Coding change: c.546G>A on transcript NM_004813.4 (MANE Select); coding-DNA position 546, G replaced by A.
Protein change: p.Pro182=; no amino-acid change (proline 182 retained).
Molecular consequence: synonymous variant.
Genome position (GRCh38, 1-based): chr11:45,914,464, C>T on the plus strand (G>A on the coding strand, the complement: PEX16 is on the minus strand). VCF-style: chr11-45914464-C-T. GRCh37 (hg19) VCF-style: chr11-45936015-C-T.
Other names: c.546G>A, p.Pro182= (NM_057174.3); c.546G>A (NM_004813.2).
Identifiers: ClinVar variation 1154337 (VCV001154337.11), dbSNP rs1026595479, ClinGen allele CA221588107.
Genomic context (GRCh38, chr11:45,914,464, plus strand): 5'-ATGCTGCTGCTGCCGTCCCTCCCGCTGCTGGGGAGCTCCCCAGTGCCTGGAGTGCAGGGA[C>T]GGCGCTAGAACACAAGGGCGGCAGATGAGCGAGCCAGGCCCAGGCTGGGGCAGGGGAAGG-3'
Protein context (NP_004804.2, residues 172-192): NRVVRTLQNT[Pro182=]SLHSRHWGAP

ClinVar aggregate classification (germline): Likely benign. Review status: criteria provided, multiple submitters, no conflicts (2 of 4 stars). 3 submissions from 3 submitters: Likely benign (2). 1 of the submissions does not count toward it. Last evaluated 2026-01-27.

Conditions:
PEX16-related disorder. Also called: PEX16-related condition.
Peroxisome biogenesis disorder. Identifiers: Orphanet 79189, MedGen C1832200, MONDO:0019234. Disease mechanism: loss of function.

Allele frequency attached by ClinVar (database versions not stated): gnomAD exomes 0.00001 and 0.00002; gnomAD 0.00002; TOPMed 0.00008.
gnomAD v4.1: 20 of 1,607,618 alleles (0.0012%); highest among the groups gnomAD compares: Admixed American, 0.015%; no homozygotes.

Submissions (3):

Labcorp Genetics (formerly Invitae), Labcorp
Classification: Likely benign for Peroxisome biogenesis disorder. Last evaluated: 2026-01-27. Review status: criteria provided, single submitter. Criteria: Invitae Variant Classification Sherloc (09022015). Collection method: clinical testing. Allele origin: germline.

Blueprint Genetics
Classification: Likely benign. Last evaluated: 2019-10-01. Review status: criteria provided, single submitter. Criteria: ACMG Guidelines, 2015. Collection method: clinical testing. Allele origin: germline.

PreventionGenetics, part of Exact Sciences
Classification: Likely benign for PEX16-related condition. Last evaluated: 2024-05-15. Review status: no assertion criteria provided. Collection method: clinical testing. Allele origin: germline. Not counted in ClinVar's aggregate classification.
Comment: This variant is classified as likely benign based on ACMG/AMP sequence variant interpretation guidelines (Richards et al. 2015 PMID: 25741868, with internal and published modifications).